The following is an entry in ClinVar:

ClinVar aggregate classification (germline): Benign/Likely benign. Review status: criteria provided, multiple submitters, no conflicts (2 of 4 stars). 10 submissions from 10 submitters: Benign (1); Likely benign (9). Last evaluated 2026-08-01.

Conditions:
Melanoma, uveal, susceptibility to, 2 (UVM2). Also called: Melanoma, uveal 2. Identifiers: Orphanet 39044, MedGen C1847723, MONDO:0011696, OMIM 606661.
BAP1-related tumor predisposition syndrome (TPDS1). Also called: BAP1 tumor predisposition syndrome; COMMON Syndrome; TUMOR PREDISPOSITION SYNDROME 1; Tumor susceptibility linked to germline BAP1 mutations. Identifiers: Orphanet 289539, MedGen C3280492, MONDO:0013692, OMIM 614327.
BAP1-related disorder. Also called: BAP1-related condition.
Hereditary cancer-predisposing syndrome. Also called: Hereditary neoplastic syndrome; Neoplastic Syndromes, Hereditary; Hereditary Cancer Syndrome; Tumor predisposition. Identifiers: Orphanet 140162, MedGen C0027672, MeSH D009386, MONDO:0015356.

Allele frequency attached by ClinVar (database versions not stated): TOPMed 0.00006; gnomAD exomes 0.00007 and 0.00011; gnomAD 0.00008; 1000 Genomes Project 30x 0.00016; ExAC 0.00018; 1000 Genomes Project 0.00020.
gnomAD v4.1: 164 of 1,559,538 alleles (0.011%); highest among the groups gnomAD compares: South Asian, 0.021%; no homozygotes.

Submissions (10):

CeGaT Center for Human Genetics Tuebingen
Classification: Likely benign. Last evaluated: 2026-08-01. Review status: criteria provided, single submitter. Criteria: CeGaT Center For Human Genetics Tuebingen Variant Classification Criteria Version 2. Collection method: clinical testing. Allele origin: germline. Affected: yes. Observed: 3 variant alleles.
Comment: BAP1: BP4, BP7

Labcorp Genetics (formerly Invitae), Labcorp
Classification: Likely benign for BAP1-related tumor predisposition syndrome. Last evaluated: 2026-01-26. Review status: criteria provided, single submitter. Criteria: Invitae Variant Classification Sherloc (09022015). Collection method: clinical testing. Allele origin: germline.

PreventionGenetics, part of Exact Sciences
Classification: Likely benign for BAP1-related condition. Last evaluated: 2025-10-18. Review status: criteria provided, single submitter. Criteria: ACMG Guidelines, 2015. Collection method: clinical testing. Allele origin: germline.
Comment: This variant is classified as likely benign based on ACMG/AMP sequence variant interpretation guidelines (Richards et al. 2015 PMID: 25741868, with internal and published modifications).

Center for Genomic Medicine, Rigshospitalet, Copenhagen University Hospital
Classification: Likely benign. Last evaluated: 2025-03-04. Review status: criteria provided, single submitter. Criteria: ACMG Guidelines, 2015. Collection method: clinical testing. Allele origin: germline.

Myriad Genetics, Inc.
Classification: Benign for BAP1-related tumor predisposition syndrome. Last evaluated: 2024-07-12. Review status: criteria provided, single submitter. Criteria: Myriad Autosomal Dominant, Autosomal Recessive and X-Linked Classification Criteria (2023). Collection method: clinical testing. Allele origin: unknown.
Comment: This variant is considered benign. This variant is a silent/synonymous amino acid change and it is not expected to impact splicing.

KCCC/NGS Laboratory, Kuwait Cancer Control Center
Classification: Likely benign for Melanoma, uveal, susceptibility to, 2. Last evaluated: 2023-07-07. Review status: criteria provided, single submitter. Criteria: ACMG Guidelines, 2015. Collection method: clinical testing. Allele origin: germline. Affected: yes.

Blueprint Genetics
Classification: Likely benign. Last evaluated: 2023-02-24. Review status: criteria provided, single submitter. Criteria: ACMG Guidelines, 2015. Collection method: clinical testing. Allele origin: germline.

GeneDx
Classification: Likely benign. Last evaluated: 2021-09-21. Review status: criteria provided, single submitter. Criteria: GeneDx Variant Classification Process June 2021. Collection method: clinical testing. Allele origin: germline. Affected: yes.

Color Diagnostics, LLC DBA Color Health
Classification: Likely benign for Hereditary cancer-predisposing syndrome. Last evaluated: 2016-03-18. Review status: criteria provided, single submitter. Criteria: ACMG Guidelines, 2015. Collection method: clinical testing. Allele origin: germline.

Ambry Genetics
Classification: Likely benign for Hereditary cancer-predisposing syndrome. Last evaluated: 2015-10-15. Review status: criteria provided, single submitter. Criteria: Ambry Variant Classification Scheme 2023. Collection method: clinical testing. Allele origin: germline.

NM_004656.4(BAP1):c.642C>T (p.Ile214=)

Gene: BAP1 (BRCA1 associated deubiquitinase 1; minus strand). Cytogenetic location: 3p21.1.
Variant type: single nucleotide variant.
Coding change: c.642C>T on transcript NM_004656.4 (MANE Select); coding-DNA position 642, C replaced by T.
Protein change: p.Ile214=; no amino-acid change (isoleucine 214 retained).
Molecular consequence: synonymous variant.
Genome position (GRCh38, 1-based): chr3:52,406,846, G>A on the plus strand (C>T on the coding strand, the complement: BAP1 is on the minus strand). VCF-style: chr3-52406846-G-A. GRCh37 (hg19) VCF-style: chr3-52440862-G-A.
Other names: c.642C>T (LRG_529t1).
Identifiers: ClinVar variation 417272 (VCV000417272.46), dbSNP rs200953639, ClinGen allele CA2437042.
Genomic context (GRCh38, chr3:52,406,846, plus strand): 5'-TACAGCTCCAGAGAGTAGAACAGGGCAGGCACAGGGCCCTTACCCTGCAGTGGCGAGGCC[G>A]ATACGCTCCATGATGACCCGCCGGGCCTTGTCTGTCCACTCCTCGTCCTCCCCCCAGGGC-3'
Protein context (NP_004647.1, residues 204-224): DKARRVIMER[Ile214=]GLATAGEPYH